The following is an entry in ClinVar:

NM_017636.4(TRPM4):c.1220del (p.Asp407fs)

Gene: TRPM4 (transient receptor potential cation channel subfamily M member 4; plus strand). Cytogenetic location: 19q13.33.
Variant type: Deletion.
Coding change: c.1220del on transcript NM_017636.4 (MANE Select); coding-DNA position 1220, one base deleted (A; older notation c.1220delA).
Protein change: p.Asp407fs; shifts the reading frame from aspartic acid 407.
Molecular consequence: frameshift variant. On other transcripts: 5 prime UTR variant (1), intron variant (1).
Genome position (GRCh38, 1-based): chr19:49,181,418, A deleted. VCF-style (leftmost placement, unchanged base first): chr19-49181417-GA-G. GRCh37 (hg19) VCF-style: chr19-49684674-GA-G.
Other names: c.1220del, p.Asp407fs (NM_001195227.2); c.875del, p.Asp292fs (NM_001321281.2); c.-334del (NM_001321282.2); c.698del, p.Asp233fs (NM_001321283.2); c.202-1160del (NM_001321285.2); short protein forms D233fs, D292fs, D407fs.
Identifiers: ClinVar variation 3621076 (VCV003621076.2).

ClinVar aggregate classification (germline): Uncertain significance (1 of 4 stars; one submission).

Conditions:
Progressive familial heart block type IB (PFHB1B). Identifiers: Orphanet 871, MedGen C1970298, MONDO:0011474, OMIM 604559.

Submission:

Labcorp Genetics (formerly Invitae), Labcorp
Classification: Uncertain significance for Progressive familial heart block type IB. Last evaluated: 2024-10-13. Review status: criteria provided, single submitter. Criteria: Invitae Variant Classification Sherloc (09022015). Collection method: clinical testing. Allele origin: germline.
Comment: This sequence change creates a premature translational stop signal (p.Asp407Alafs*28) in the TRPM4 gene. It is expected to result in an absent or disrupted protein product. However, the current clinical and genetic evidence is not sufficient to establish whether loss-of-function variants in TRPM4 cause disease. This variant is not present in population databases (gnomAD no frequency). This variant has not been reported in the literature in individuals affected with TRPM4-related conditions. Algorithms developed to predict the effect of sequence changes on RNA splicing suggest that this variant may disrupt the consensus splice site. In summary, the available evidence is currently insufficient to determine the role of this variant in disease. Therefore, it has been classified as a Variant of Uncertain Significance.